The following is an entry in ClinVar:

ClinVar aggregate classification (germline): Likely pathogenic. Review status: criteria provided, single submitter (1 of 4 stars). 2 submissions from 2 submitters: Likely pathogenic (1). 1 of the submissions does not count toward it. Last evaluated 2024-03-09.

Conditions:
HEMOGLOBIN RUSH.
beta Thalassemia (BTHAL). Also called: Cooley's anemia; Erythroblastic anemia; Mediterranean anemia. Identifiers: Orphanet 848, MedGen C0005283, MONDO:0019402. Disease mechanism: loss of function.

Submissions (2):

Natera, Inc.
Classification: Likely pathogenic for Beta thalassemia. Last evaluated: 2024-03-09. Review status: criteria provided, single submitter. Criteria: Natera Variant Classification Schema (03/2026). Collection method: clinical testing. Allele origin: germline.
Comment: The c.304G>C variant in HBB is a missense variant predicted to cause substitution of glutamic acid to glutamine at amino acid 102. This variant is rare in the general population with a frequency below the threshold expected for the associated phenotype(s). This variant has been observed in one or more individuals affected with the associated recessive disease, as either homozygous or compound heterozygous with a second variant (PMID: 31124399). Computational prediction algorithms indicate this variant is likely to affect gene or protein function. Given the available evidence, this variant is classified as Likely Pathogenic.

OMIM
Classification: other for HEMOGLOBIN RUSH. Last evaluated: 2017-12-12. Review status: no assertion criteria provided. Collection method: literature only. Allele origin: germline. Not counted in ClinVar's aggregate classification.

Literature cited by the submitters: PubMed 31124399 (cited by Natera, Inc.); PubMed 429365 (cited by OMIM).

NM_000518.4(HBB):c.304G>C (p.Glu102Gln)

Genes: HBB (hemoglobin subunit beta; minus strand), LOC106099062 (HBB recombination region; plus strand), LOC107133510 (origin of replication at HBB; plus strand), LOC110006319 (beta-globin gene 3' regulatory region; plus strand). Cytogenetic location: 11p15.4.
Variant type: single nucleotide variant.
Coding change: c.304G>C on transcript NM_000518.4; coding-DNA position 304, G replaced by C.
Protein change: p.Glu102Gln; replaces glutamic acid 102 with glutamine.
Molecular consequence: missense variant (on NM_000518.5).
Genome position (GRCh38, 1-based): chr11:5,226,588, C>G on the plus strand (G>C on the coding strand, the complement: HBB is on the minus strand). VCF-style: chr11-5226588-C-G. GRCh37 (hg19) VCF-style: chr11-5247818-C-G.
Other names: E101Q; c.304G>C, p.Glu102Gln (NM_000518.5); short protein forms E102Q.
Identifiers: ClinVar variation 15332 (VCV000015332.2), dbSNP rs33966487, ClinGen allele CA125136.